The following is an entry in ClinVar:

ClinVar aggregate classification (germline): Uncertain significance (1 of 4 stars; one submission).

Submission:

Labcorp Genetics (formerly Invitae), Labcorp
Classification: Uncertain significance. Last evaluated: 2020-02-05. Review status: criteria provided, single submitter. Criteria: Invitae Variant Classification Sherloc (09022015). Collection method: clinical testing. Allele origin: germline.
Comment: This variant is not present in population databases (ExAC no frequency). This sequence change replaces tyrosine with histidine at codon 433 of the GALNT12 protein (p.Tyr433His). The tyrosine residue is highly conserved and there is a moderate physicochemical difference between tyrosine and histidine. This variant has not been reported in the literature in individuals with GALNT12-related conditions. In summary, the available evidence is currently insufficient to determine the role of this variant in disease. Therefore, it has been classified as a Variant of Uncertain Significance. Algorithms developed to predict the effect of missense changes on protein structure and function are either unavailable or do not agree on the potential impact of this missense change (SIFT: "Deleterious"; PolyPhen-2: "Probably Damaging"; Align-GVGD: "Class C0").

NM_024642.5(GALNT12):c.1297T>C (p.Tyr433His)

Gene: GALNT12 (polypeptide N-acetylgalactosaminyltransferase 12; plus strand). Cytogenetic location: 9q22.33.
Variant type: single nucleotide variant.
Coding change: c.1297T>C on transcript NM_024642.5 (MANE Select); coding-DNA position 1297, T replaced by C.
Protein change: p.Tyr433His; replaces tyrosine 433 with histidine.
Molecular consequence: missense variant.
Genome position (GRCh38, 1-based): chr9:98,840,086, T>C. VCF-style: chr9-98840086-T-C. GRCh37 (hg19) VCF-style: chr9-101602368-T-C.
Other names: short protein forms Y433H.
Identifiers: ClinVar variation 1016939 (VCV001016939.9), dbSNP rs1836250153, ClinGen allele CA374221066.
Genomic context (GRCh38, chr9:98,840,086, plus strand): 5'-AGGAAGCAGCTCCGGGACAAGCTCCAGTGTAAAGACTTCAAGTGGTTCTTGGAGACTGTG[T>C]ATCCAGAACTGCATGTGCCTGAGGACAGGCCTGGCTTCTTCGGGATGGTGAGTGAGGGTG-3'
Protein context (NP_078918.3, residues 423-443): KDFKWFLETV[Tyr433His]PELHVPEDRP